The following is an entry in ClinVar:

NM_005273.4(GNB2):c.593C>A (p.Thr198Lys)

Gene: GNB2 (G protein subunit beta 2; plus strand). Cytogenetic location: 7q22.1.
Variant type: single nucleotide variant.
Coding change: c.593C>A on transcript NM_005273.4 (MANE Select); coding-DNA position 593, C replaced by A.
Protein change: p.Thr198Lys; replaces threonine 198 with lysine.
Molecular consequence: missense variant.
Genome position (GRCh38, 1-based): chr7:100,678,193, C>A. VCF-style: chr7-100678193-C-A. GRCh37 (hg19) VCF-style: chr7-100275816-C-A.
Other names: c.593C>A (NM_005273.3); short protein forms T198K.
Identifiers: ClinVar variation 1391879 (VCV001391879.7), dbSNP rs771831778, ClinGen allele CA368517515.

ClinVar aggregate classification (germline): Uncertain significance. Review status: criteria provided, multiple submitters, no conflicts (2 of 4 stars). 2 submissions from 2 submitters: Uncertain significance (2). Last evaluated 2025-12-15.

Conditions:
Inborn genetic diseases. Identifiers: MedGen C0950123, MeSH D030342.

Allele frequency attached by ClinVar (database versions not stated): gnomAD exomes below 0.00001.
gnomAD v4.1: 3 of 1,613,792 alleles (0.00019%); highest among the groups gnomAD compares: African/African-American, 0.0027%; no homozygotes.

Submissions (2):

Ambry Genetics
Classification: Uncertain significance for Inborn genetic diseases. Last evaluated: 2025-12-15. Review status: criteria provided, single submitter. Criteria: Ambry Variant Classification Scheme 2023. Collection method: clinical testing. Allele origin: germline.

Labcorp Genetics (formerly Invitae), Labcorp
Classification: Uncertain significance. Last evaluated: 2021-11-06. Review status: criteria provided, single submitter. Criteria: Invitae Variant Classification Sherloc (09022015). Collection method: clinical testing. Allele origin: germline.
Comment: In summary, the available evidence is currently insufficient to determine the role of this variant in disease. Therefore, it has been classified as a Variant of Uncertain Significance. Algorithms developed to predict the effect of missense changes on protein structure and function are either unavailable or do not agree on the potential impact of this missense change (SIFT: "Deleterious"; PolyPhen-2: "Possibly Damaging"; Align-GVGD: "Class C15"). This variant has not been reported in the literature in individuals affected with GNB2-related conditions. This variant is present in population databases (no rsID available, gnomAD 0.007%). This sequence change replaces threonine, which is neutral and polar, with lysine, which is basic and polar, at codon 198 of the GNB2 protein (p.Thr198Lys).